The following is an entry in ClinVar:

NM_000257.4(MYH7):c.842G>C (p.Arg281Thr)

Gene: MYH7 (myosin heavy chain 7; minus strand). Cytogenetic location: 14q11.2.
Variant type: single nucleotide variant.
Coding change: c.842G>C on transcript NM_000257.4 (MANE Select); coding-DNA position 842, G replaced by C.
Protein change: p.Arg281Thr; replaces arginine 281 with threonine.
Molecular consequence: missense variant.
Genome position (GRCh38, 1-based): chr14:23,430,954, C>G on the plus strand (G>C on the coding strand, the complement: MYH7 is on the minus strand). VCF-style: chr14-23430954-C-G. GRCh37 (hg19) VCF-style: chr14-23900163-C-G.
Other names: p.R281T:AGA>ACA; short protein forms R281T.
Identifiers: ClinVar variation 181327 (VCV000181327.12), dbSNP rs730880856, ClinGen allele CA016879.

ClinVar aggregate classification (germline): Pathogenic/Likely pathogenic. Review status: criteria provided, multiple submitters, no conflicts (2 of 4 stars). 5 submissions from 5 submitters: Pathogenic (2); Likely pathogenic (3). Last evaluated 2025-04-30.

Conditions:
MYH7-related disorder. Also called: MYH7-related condition; MYH7-related disease; MYH7-related disorders.
Cardiovascular phenotype. Identifiers: MedGen CN230736.
Left ventricular noncompaction. Identifiers: Orphanet 54260, MedGen C1960469, MONDO:0018901, HP:0030682.
Hypertrophic cardiomyopathy. Also called: HYPERTROPHIC MYOCARDIOPATHY. Identifiers: Orphanet 217569, MedGen C0007194, MeSH D002312, MONDO:0005045, HP:0001639.

gnomAD v4.1: 1 of 1,614,118 alleles (0.000062%); no homozygotes.

Submissions (5):

Ambry Genetics
Classification: Likely pathogenic for Cardiovascular phenotype. Last evaluated: 2025-04-30. Review status: criteria provided, single submitter. Criteria: Ambry Variant Classification Scheme 2023. Collection method: clinical testing. Allele origin: germline.
Comment: The p.R281T variant (also known as c.842G>C), located in coding exon 8 of the MYH7 gene, results from a G to C substitution at nucleotide position 842. The arginine at codon 281 is replaced by threonine, an amino acid with similar properties. This variant arose de novo in one individual with left ventricular noncompaction cardiomyopathy (LVNC) and segregated with LVNC with variable expression in the proband's descendants, some of whom also had Ebstein's anomaly and/or septal defects (Budde BS et al. PLoS ONE, 2007 Dec;2:e1362). This variant has been reported in other individuals with LVNC (Mazzarotto F et al. Genet Med, 2021 May;23:856-864; Ambry internal data). This variant is considered to be rare based on population cohorts in the Genome Aggregation Database (gnomAD). This amino acid position is highly conserved in available vertebrate species. In addition, this alteration is predicted to be deleterious by in silico analysis. Based on the majority of available evidence to date, this variant is likely to be pathogenic.

Labcorp Genetics (formerly Invitae), Labcorp
Classification: Pathogenic for Hypertrophic cardiomyopathy. Last evaluated: 2023-09-06. Review status: criteria provided, single submitter. Criteria: Invitae Variant Classification Sherloc (09022015). Collection method: clinical testing. Allele origin: germline.
Comment: This variant is found within a region of MYH7 between codons 181 and 937 that contains the majority of the myosin head domain. Missense variants in this region have been shown to be significantly overrepresented in individuals with hypertrophic cardiomyopathy (PMID: 27532257). For these reasons, this variant has been classified as Pathogenic. This sequence change replaces arginine, which is basic and polar, with threonine, which is neutral and polar, at codon 281 of the MYH7 protein (p.Arg281Thr). This variant is not present in population databases (gnomAD no frequency). This missense change has been observed in individual(s) with autosomal dominant noncompaction of the ventricular myocardium (PMID: 18159245). It has also been observed to segregate with disease in related individuals. ClinVar contains an entry for this variant (Variation ID: 181327). Advanced modeling of protein sequence and biophysical properties (such as structural, functional, and spatial information, amino acid conservation, physicochemical variation, residue mobility, and thermodynamic stability) performed at Invitae indicates that this missense variant is expected to disrupt MYH7 protein function.

Blueprint Genetics
Classification: Likely pathogenic for MYH7-related disorders. Last evaluated: 2018-06-22. Review status: criteria provided, single submitter. Criteria: ACMG Guidelines, 2015. Collection method: clinical testing. Allele origin: germline. Affected: yes. Observed: 1 variant allele.

GeneDx
Classification: Likely pathogenic. Last evaluated: 2017-05-23. Review status: criteria provided, single submitter. Criteria: GeneDx Variant Classification (06012015). Collection method: clinical testing. Allele origin: germline. Affected: yes.
Comment: The Arg281Thr variant in the MYH7 gene has been reported in a large family with noncompaction of the ventricular myocardium (NVM). Budde B et al. (2007) reported that the Arg281Thr variant co-segregated with a noncompaction phenotype in the family with high clinical variability. Arg281Thr occurs in a conserved region of the protein, and in silico programs predict the variant destabilizes the myosin head. In many individuals in the family, other heart defects were seen along with noncompaction, including Ebstein's anomaly. Furthermore, the NHLBI ESP Exome Variant Server reports Arg281Thr was not observed in approximately 6,500 samples from individuals of European and African America backgrounds, indicating it is not a common benign variant in these populations. Based on currently available evidence, R281T is a strong candidate for a pathogenic variant. However, the possibility it is a rare benign variant cannot be excluded.

Laboratory for Molecular Medicine, Mass General Brigham Personalized Medicine
Classification: Pathogenic for Left ventricular noncompaction. Last evaluated: 2015-02-03. Review status: criteria provided, single submitter. Criteria: LMM Criteria. Collection method: clinical testing. Allele origin: germline. Inheritance: Autosomal dominant inheritance. Observed: 1 variant allele.
Comment: This variant has also been identified in 1 individual with HCM (Waldmuller 2008), and was absent from large population studies. Arginine (Arg) at position 281 is highly conserved in evolution, and the change to threonine ( Thr) was predicted to be pathogenic using a computational tool clinically valida ted by our laboratory. This tool's pathogenic prediction is estimated to be corr ect 94% of the time (Jordan 2011). In summary, this variant meets our criteria t o be classified as pathogenic based upon segregation studies and absence from controls.

Literature cited by the submitters: PubMed 18159245 (cited by 3 submitters); PubMed 18258667 (cited by Ambry Genetics and Laboratory for Molecular Medicine, Mass General Brigham Personalized Medicine); PubMed 33500567 (cited by Ambry Genetics); PubMed 27532257 (cited by Labcorp Genetics (formerly Invitae), Labcorp); PubMed 21310275 (cited by Laboratory for Molecular Medicine, Mass General Brigham Personalized Medicine).